The following is an entry in ClinVar:

NM_006766.5(KAT6A):c.4133C>G (p.Pro1378Arg)

Gene: KAT6A (lysine acetyltransferase 6A; minus strand). Cytogenetic location: 8p11.21.
Variant type: single nucleotide variant.
Coding change: c.4133C>G on transcript NM_006766.5 (MANE Select); coding-DNA position 4133, C replaced by G.
Protein change: p.Pro1378Arg; replaces proline 1378 with arginine.
Molecular consequence: missense variant.
Genome position (GRCh38, 1-based): chr8:41,934,087, G>C on the plus strand (C>G on the coding strand, the complement: KAT6A is on the minus strand). VCF-style: chr8-41934087-G-C. GRCh37 (hg19) VCF-style: chr8-41791605-G-C.
Other names: short protein forms P1378R.
Identifiers: ClinVar variation 4999767 (VCV004999767.1).

ClinVar aggregate classification (germline): Uncertain significance (1 of 4 stars; one submission).

Conditions:
KAT6A-related disorder. Also called: KAT6A-related condition.

Submission:

PreventionGenetics, part of Exact Sciences
Classification: Uncertain significance for KAT6A-related condition. Last evaluated: 2025-05-06. Review status: criteria provided, single submitter. Criteria: ACMG Guidelines, 2015. Collection method: clinical testing. Allele origin: germline.
Comment: The KAT6A c.4133C>G variant is predicted to result in the amino acid substitution p.Pro1378Arg. To our knowledge, this variant has not been reported in the literature or in a large population database (gnomAD), indicating this variant is rare. At this time, the clinical significance of this variant is uncertain due to the absence of conclusive functional and genetic evidence.